The following is an entry in ClinVar:

NM_003482.4(KMT2D):c.8445dup (p.Gln2816fs)

Gene: KMT2D (lysine methyltransferase 2D; minus strand). Cytogenetic location: 12q13.12.
Variant type: Duplication.
Coding change: c.8445dup on transcript NM_003482.4 (MANE Select); coding-DNA position 8445, one base duplicated (A; older notation c.8445dupA).
Protein change: p.Gln2816fs; shifts the reading frame from glutamine 2816.
Molecular consequence: frameshift variant.
Genome position (GRCh38, 1-based): chr12:49,038,911, T duplicated on the plus strand (A on the coding strand, the reverse complement: KMT2D is on the minus strand); the first of 2 consecutive T bases (chr12:49,038,911-49,038,912); duplicating either gives the same sequence. VCF-style (leftmost placement, unchanged base first): chr12-49038910-G-GT. GRCh37 (hg19) VCF-style: chr12-49432693-G-GT.
Other names: short protein forms Q2816fs.
Identifiers: ClinVar variation 3722259 (VCV003722259.2).
Genomic context (GRCh38, chr12:49,038,910, plus strand): 5'-GAGCTGACATGGCAAATCGCATGGAGGTTGCTGCTGTTGCCTGTTGTTGCTGCCACAGTT[G>GT]TTGCTGTTGCTGCTGTAAGGGCAGGGACCCAGGATAGGGTGCTCGCTGATAGAAAGCTTG-3'

ClinVar aggregate classification (germline): Pathogenic (1 of 4 stars; one submission).

Conditions:
Kabuki syndrome. Also called: NIIKAWA-KUROKI SYNDROME; Kabuki make-up syndrome. Identifiers: Orphanet 2322, MedGen C0796004, MONDO:0016512.

Submission:

Labcorp Genetics (formerly Invitae), Labcorp
Classification: Pathogenic for Kabuki syndrome. Last evaluated: 2024-10-05. Review status: criteria provided, single submitter. Criteria: Invitae Variant Classification Sherloc (09022015). Collection method: clinical testing. Allele origin: germline.
Comment: This sequence change creates a premature translational stop signal (p.Gln2816Thrfs*29) in the KMT2D gene. It is expected to result in an absent or disrupted protein product. Loss-of-function variants in KMT2D are known to be pathogenic (PMID: 22126750). This variant is not present in population databases (gnomAD no frequency). This variant has not been reported in the literature in individuals affected with KMT2D-related conditions. For these reasons, this variant has been classified as Pathogenic.

Literature cited by the submitters: PubMed 22126750.